The following is an entry in ClinVar:

ClinVar aggregate classification (germline): Conflicting classifications of pathogenicity. Review status: criteria provided, conflicting classifications (1 of 4 stars). 3 submissions from 3 submitters: Uncertain significance (2); Likely benign (1). Last evaluated 2025-04-17.

Conditions:
Arrhythmogenic right ventricular dysplasia 8 (ARVD8). Also called: Arrhythmogenic Right Ventricular Dysplasia/Cardiomyopathy 8; ARRHYTHMOGENIC RIGHT VENTRICULAR DYSPLASIA, FAMILIAL, 8; ARRHYTHMOGENIC RIGHT VENTRICULAR CARDIOMYOPATHY 8. Identifiers: MedGen C1843896, MONDO:0011831, OMIM 607450.
Arrhythmogenic cardiomyopathy with wooly hair and keratoderma. Also called: PALMOPLANTAR KERATODERMA WITH LEFT VENTRICULAR CARDIOMYOPATHY AND WOOLLY HAIR; Carvajal syndrome; Dilated cardiomyopathy with woolly hair and keratoderma; Arrhythmogenic cardiomyopathy with woolly hair and keratoderma. Identifiers: Orphanet 65282, MedGen C1854063, MONDO:0011581, OMIM 605676.
Cardiomyopathy (CMYO). Also called: Cardiomyopathies. Identifiers: Orphanet 167848, MedGen C0878544, MONDO:0004994, HP:0001638. Inheritance: Various modes of inheritance.
Cardiovascular phenotype. Identifiers: MedGen CN230736.

gnomAD v4.1: 11 of 1,613,962 alleles (0.00068%); highest among the groups gnomAD compares: Admixed American, 0.005%; no homozygotes.

Submissions (3):

Labcorp Genetics (formerly Invitae), Labcorp
Classification: Likely benign for Arrhythmogenic cardiomyopathy with wooly hair and keratoderma; Arrhythmogenic right ventricular dysplasia 8. Last evaluated: 2025-04-17. Review status: criteria provided, single submitter. Criteria: Invitae Variant Classification Sherloc (09022015). Collection method: clinical testing. Allele origin: germline.

Ambry Genetics
Classification: Uncertain significance for Cardiovascular phenotype. Last evaluated: 2023-07-11. Review status: criteria provided, single submitter. Criteria: Ambry Variant Classification Scheme 2023. Collection method: clinical testing. Allele origin: germline.
Comment: The p.R908L variant (also known as c.2723G>T), located in coding exon 19 of the DSP gene, results from a G to T substitution at nucleotide position 2723. The arginine at codon 908 is replaced by leucine, an amino acid with dissimilar properties. This alteration has been reported in a sudden cardiac arrest cohort and an arrhythmogenic right ventricular cardiomyopathy (ARVC) cohort (Asatryan B et al. Am J Cardiol, 2019 Jun;123:2031-2038; Vallverd&uacute;-Prats M et al. J Pers Med, 2021 Feb;11:). This amino acid position is well conserved in available vertebrate species. In addition, this alteration is predicted to be tolerated by in silico analysis. Since supporting evidence is limited at this time, the clinical significance of this alteration remains unclear.

Color Diagnostics, LLC DBA Color Health
Classification: Uncertain significance for Cardiomyopathy. Last evaluated: 2023-05-19. Review status: criteria provided, single submitter. Criteria: ACMG Guidelines, 2015. Collection method: clinical testing. Allele origin: germline.
Comment: This missense variant replaces arginine with leucine at codon 908 of the DSP protein. Computational prediction suggests that this variant may not impact protein structure and function (internally defined REVEL score threshold <= 0.5, PMID: 27666373). To our knowledge, functional studies have not been reported for this variant. This variant has been reported in an individual affected with arrhythmogenic cardiomyopathy (PMID: 33652588). This variant has been identified in 4/251322 chromosomes in the general population by the Genome Aggregation Database (gnomAD). The available evidence is insufficient to determine the role of this variant in disease conclusively. Therefore, this variant is classified as a Variant of Uncertain Significance.

Literature cited by the submitters: PubMed 30975432 (cited by Ambry Genetics); PubMed 33652588 (cited by Ambry Genetics and Color Diagnostics, LLC DBA Color Health).

NM_004415.4(DSP):c.2723G>T (p.Arg908Leu)

Gene: DSP (desmoplakin; plus strand). Cytogenetic location: 6p24.3.
Variant type: single nucleotide variant.
Coding change: c.2723G>T on transcript NM_004415.4 (MANE Select); coding-DNA position 2723, G replaced by T.
Protein change: p.Arg908Leu; replaces arginine 908 with leucine.
Molecular consequence: missense variant.
Genome position (GRCh38, 1-based): chr6:7,576,386, G>T. VCF-style: chr6-7576386-G-T. GRCh37 (hg19) VCF-style: chr6-7576619-G-T.
Other names: c.2723G>T, p.Arg908Leu (NM_001008844.3, NM_001319034.2); short protein forms R908L.
Identifiers: ClinVar variation 926830 (VCV000926830.13), dbSNP rs142494121, ClinGen allele CA034804.